The following is an entry in ClinVar:

ClinVar aggregate classification (germline): Uncertain significance (1 of 4 stars; one submission).

Allele frequency attached by ClinVar (database versions not stated): gnomAD exomes below 0.00001.
gnomAD v4.1: 2 of 1,609,136 alleles (0.00012%); highest among the groups gnomAD compares: Non-Finnish European, 0.00017%; no homozygotes.

Submission:

Labcorp Genetics (formerly Invitae), Labcorp
Classification: Uncertain significance. Last evaluated: 2024-06-17. Review status: criteria provided, single submitter. Criteria: Invitae Variant Classification Sherloc (09022015). Collection method: clinical testing. Allele origin: germline.
Comment: This sequence change replaces proline, which is neutral and non-polar, with leucine, which is neutral and non-polar, at codon 705 of the VAC14 protein (p.Pro705Leu). The frequency data for this variant in the population databases is considered unreliable, as metrics indicate poor data quality at this position in the gnomAD database. This variant has not been reported in the literature in individuals affected with VAC14-related conditions. ClinVar contains an entry for this variant (Variation ID: 2122715). Advanced modeling of protein sequence and biophysical properties (such as structural, functional, and spatial information, amino acid conservation, physicochemical variation, residue mobility, and thermodynamic stability) performed at Invitae indicates that this missense variant is expected to disrupt VAC14 protein function with a positive predictive value of 80%. In summary, the available evidence is currently insufficient to determine the role of this variant in disease. Therefore, it has been classified as a Variant of Uncertain Significance.

NM_018052.5(VAC14):c.2114C>T (p.Pro705Leu)

Gene: VAC14 (VAC14 component of PIKFYVE complex; minus strand). Cytogenetic location: 16q22.1.
Variant type: single nucleotide variant.
Coding change: c.2114C>T on transcript NM_018052.5 (MANE Select); coding-DNA position 2114, C replaced by T.
Protein change: p.Pro705Leu; replaces proline 705 with leucine.
Molecular consequence: missense variant.
Genome position (GRCh38, 1-based): chr16:70,692,893, G>A on the plus strand (C>T on the coding strand, the complement: VAC14 is on the minus strand). VCF-style: chr16-70692893-G-A. GRCh37 (hg19) VCF-style: chr16-70726796-G-A.
Other names: c.1412C>T, p.Pro471Leu (NM_001351157.2); short protein forms P705L, P471L.
Identifiers: ClinVar variation 2122715 (VCV002122715.4), dbSNP rs770768430, ClinGen allele CA8147400.